The following is an entry in ClinVar:

ClinVar aggregate classification (germline): Likely benign. Review status: criteria provided, single submitter (1 of 4 stars). 2 submissions from 2 submitters: Likely benign (1). 1 of the submissions does not count toward it. Last evaluated 2023-10-15.

Conditions:
FRAS1-related disorder. Also called: FRAS1-related condition.

Allele frequency attached by ClinVar (database versions not stated): gnomAD exomes below 0.00001; ExAC 0.00001; TOPMed 0.00001.
gnomAD v4.1: 6 of 1,613,628 alleles (0.00037%); highest among the groups gnomAD compares: African/African-American, 0.004%; no homozygotes.

Submissions (2):

Labcorp Genetics (formerly Invitae), Labcorp
Classification: Likely benign. Last evaluated: 2023-10-15. Review status: criteria provided, single submitter. Criteria: Invitae Variant Classification Sherloc (09022015). Collection method: clinical testing. Allele origin: germline.

PreventionGenetics, part of Exact Sciences
Classification: Likely benign for FRAS1-related condition. Last evaluated: 2022-03-23. Review status: no assertion criteria provided. Collection method: clinical testing. Allele origin: germline. Not counted in ClinVar's aggregate classification.
Comment: This variant is classified as likely benign based on ACMG/AMP sequence variant interpretation guidelines (Richards et al. 2015 PMID: 25741868, with internal and published modifications).

NM_025074.7(FRAS1):c.6846T>C (p.His2282=)

Gene: FRAS1 (Fraser extracellular matrix complex subunit 1; plus strand). Cytogenetic location: 4q21.21.
Variant type: single nucleotide variant.
Coding change: c.6846T>C on transcript NM_025074.7 (MANE Select); coding-DNA position 6846, T replaced by C.
Protein change: p.His2282=; no amino-acid change (histidine 2282 retained).
Molecular consequence: synonymous variant.
Genome position (GRCh38, 1-based): chr4:78,464,103, T>C. VCF-style: chr4-78464103-T-C. GRCh37 (hg19) VCF-style: chr4-79385257-T-C.
Other names: c.6846T>C (NM_025074.6).
Identifiers: ClinVar variation 2972818 (VCV002972818.5), dbSNP rs752176314, ClinGen allele CA2977902.
Genomic context (GRCh38, chr4:78,464,103, plus strand): 5'-TCAAGCTGATCTGACTTCACGAAATGTTCAGTATGTCCATTCTAGTGAGGCTGAGAAACA[T>C]TCAGATGCCTTCAGCTTTACACTGTCTGATGGAGTCAGTGAGGTAGGTGAGGCACTGAAC-3'
Protein context (NP_079350.5, residues 2272-2292): QYVHSSEAEK[His2282=]SDAFSFTLSD